The following is an entry in ClinVar:

ClinVar aggregate classification (germline): Benign/Likely benign. Review status: criteria provided, multiple submitters, no conflicts (2 of 4 stars). 6 submissions from 4 submitters: Benign (1); Likely benign (5). Last evaluated 2025-11-18.

Conditions:
Vitelliform macular dystrophy 2. Also called: Best vitelliform macular dystrophy, multifocal; Best Macular Dystrophy; MACULAR DEGENERATION, POLYMORPHIC VITELLINE; Best Vitelliform Macular Dystrophy (BVMD); VITELLIFORM MACULAR DYSTROPHY, EARLY-ONSET; VITELLIFORM MACULAR DYSTROPHY, JUVENILE-ONSET. Identifiers: Orphanet 1243, MedGen C2745945, MONDO:0007931, OMIM 153700.
Autosomal dominant vitreoretinochoroidopathy. Also called: VITREORETINOCHOROIDOPATHY, AUTOSOMAL DOMINANT, WITH NANOPHTHALMOS; Autosomal Dominant Vitreoretinochoroidopathy (ADVIRC); VITREORETINOCHOROIDOPATHY WITH MICROCORNEA, GLAUCOMA, AND CATARACT. Identifiers: Orphanet 263347, Orphanet 3086, MedGen C3888099, MONDO:0008662, OMIM 193220.
Retinitis pigmentosa (RP). Identifiers: Orphanet 791, MedGen C0035334, MeSH D012174, MONDO:0019200, OMIM 268000. Inheritance: Autosomal dominant, autosomal recessive and X linked inheritance.

Allele frequency attached by ClinVar (database versions not stated): gnomAD exomes 0.00026 and 0.00069; ExAC 0.00076; 1000 Genomes Project 30x 0.00234; 1000 Genomes Project 0.00240; gnomAD 0.00263 and 0.00289; TOPMed 0.00322; ESP Exome Variant Server 0.00400.
gnomAD v4.1: 797 of 1,614,224 alleles (0.049%); highest among the groups gnomAD compares: African/African-American, 0.95%; 4 homozygotes.

Submissions (6):

Labcorp Genetics (formerly Invitae), Labcorp
Classification: Benign. Last evaluated: 2025-11-18. Review status: criteria provided, single submitter. Criteria: Invitae Variant Classification Sherloc (09022015). Collection method: clinical testing. Allele origin: germline.

Blueprint Genetics
Classification: Likely benign. Last evaluated: 2024-08-22. Review status: criteria provided, single submitter. Criteria: ACMG Guidelines, 2015. Collection method: clinical testing. Allele origin: germline.

Illumina Laboratory Services, Illumina
Classification: Likely benign for Vitelliform macular dystrophy 2. Last evaluated: 2017-04-28. Review status: criteria provided, single submitter. Criteria: ICSL Variant Classification Criteria 13 December 2019. Collection method: clinical testing. Allele origin: germline.
Comment: This variant was observed as part of a predisposition screen in an ostensibly healthy population. A literature search was performed for the gene, cDNA change, and amino acid change (where applicable). No publications were found based on this search. Allele frequency data from public databases allowed determination this variant is unlikely to cause disease. Therefore, this variant is classified as likely benign.

Illumina Laboratory Services, Illumina
Classification: Likely benign for Retinitis pigmentosa. Last evaluated: 2017-04-28. Review status: criteria provided, single submitter. Criteria: ICSL Variant Classification Criteria 13 December 2019. Collection method: clinical testing. Allele origin: germline.
Comment: the same text as in the submission from Illumina Laboratory Services, Illumina above.

Illumina Laboratory Services, Illumina
Classification: Likely benign for Autosomal dominant vitreoretinochoroidopathy. Last evaluated: 2017-04-28. Review status: criteria provided, single submitter. Criteria: ICSL Variant Classification Criteria 13 December 2019. Collection method: clinical testing. Allele origin: germline.
Comment: the same text as in the submission from Illumina Laboratory Services, Illumina above.

Breakthrough Genomics
Classification: Likely benign. Review status: criteria provided, single submitter. Criteria: ACMG Guidelines, 2015. Collection method: not provided. Allele origin: germline. Inheritance: Autosomal dominant inheritance. Affected: yes.

NM_004183.4(BEST1):c.213C>T (p.Ser71=)

Gene: BEST1 (bestrophin 1; plus strand). Cytogenetic location: 11q12.3.
Variant type: single nucleotide variant.
Coding change: c.213C>T on transcript NM_004183.4 (MANE Select); coding-DNA position 213, C replaced by T.
Protein change: p.Ser71=; no amino-acid change (serine 71 retained).
Molecular consequence: synonymous variant. On other transcripts: non-coding transcript variant (1).
Genome position (GRCh38, 1-based): chr11:61,955,167, C>T. VCF-style: chr11-61955167-C-T. GRCh37 (hg19) VCF-style: chr11-61722639-C-T.
Other names: c.33C>T, p.Ser11= (NM_001139443.3, NM_001300786.2, NM_001300787.2); c.213C>T, p.Ser71= (NM_001363592.2).
Identifiers: ClinVar variation 305119 (VCV000305119.17), dbSNP rs57132800, ClinGen allele CA6040718.
Genomic context (GRCh38, chr11:61,955,167, plus strand): 5'-GCTGGCCCTCACGGAAGAACAACAGCTGATGTTTGAGAAACTGACTCTGTATTGCGACAG[C>T]TACATCCAGCTCATCCCCATTTCCTTCGTGCTGGGTGAGTTCCCCCTTCTGGCTGTTCCG-3'
Protein context (NP_004174.1, residues 61-81): MFEKLTLYCD[Ser71=]YIQLIPISFV